The following is an entry in ClinVar:

ClinVar aggregate classification (germline): Likely benign. Review status: criteria provided, multiple submitters, no conflicts (2 of 4 stars). 2 submissions from 2 submitters: Likely benign (2). Last evaluated 2025-10-24.

Conditions:
ABCA4-related disorder. Also called: ABCA4-related disorders; ABCA4-related condition. Identifiers: MedGen CN239167.

Allele frequency attached by ClinVar (database versions not stated): TOPMed below 0.00001; gnomAD exomes below 0.00001.
gnomAD v4.1: 2 of 1,614,174 alleles (0.00012%); highest among the groups gnomAD compares: Non-Finnish European, 0.00017%; no homozygotes.

Submissions (2):

Labcorp Genetics (formerly Invitae), Labcorp
Classification: Likely benign. Last evaluated: 2025-10-24. Review status: criteria provided, single submitter. Criteria: Invitae Variant Classification Sherloc (09022015). Collection method: clinical testing. Allele origin: germline.

PreventionGenetics, part of Exact Sciences
Classification: Likely benign for ABCA4-related condition. Last evaluated: 2025-01-09. Review status: criteria provided, single submitter. Criteria: ACMG Guidelines, 2015. Collection method: clinical testing. Allele origin: germline.
Comment: This variant is classified as likely benign based on ACMG/AMP sequence variant interpretation guidelines (Richards et al. 2015 PMID: 25741868, with internal and published modifications).

NM_000350.3(ABCA4):c.3495C>T (p.Asn1165=)

Gene: ABCA4 (ATP binding cassette subfamily A member 4; minus strand). Cytogenetic location: 1p22.1.
Variant type: single nucleotide variant.
Coding change: c.3495C>T on transcript NM_000350.3 (MANE Select); coding-DNA position 3495, C replaced by T.
Protein change: p.Asn1165=; no amino-acid change (asparagine 1165 retained).
Molecular consequence: synonymous variant.
Genome position (GRCh38, 1-based): chr1:94,041,236, G>A on the plus strand (C>T on the coding strand, the complement: ABCA4 is on the minus strand). VCF-style: chr1-94041236-G-A. GRCh37 (hg19) VCF-style: chr1-94506792-G-A.
Other names: c.3273C>T, p.Asn1091= (NM_001425324.1); c.3495C>T (NM_000350.2).
Identifiers: ClinVar variation 1144549 (VCV001144549.10), dbSNP rs1409944940, ClinGen allele CA418826249.